The following is an entry in ClinVar:

ClinVar aggregate classification (germline): Uncertain significance (1 of 4 stars; one submission).

Conditions:
Cardiomyopathy (CMYO). Also called: Cardiomyopathies. Identifiers: Orphanet 167848, MedGen C0878544, MONDO:0004994, HP:0001638. Inheritance: Various modes of inheritance.

Submission:

Color Diagnostics, LLC DBA Color Health
Classification: Uncertain significance for Cardiomyopathy. Last evaluated: 2023-12-04. Review status: criteria provided, single submitter. Criteria: ACMG Guidelines, 2015. Collection method: clinical testing. Allele origin: germline.
Comment: Variant of Uncertain Significance due to insufficient evidence: This missense variant is located in the cytoplasmic domain of the RYR2 protein. Computational prediction tools and conservation analyses are inconclusive regarding the impact of this variant on the protein function. Computational splicing tools suggest that this variant may not impact RNA splicing. To our knowledge, functional assays have not been performed for this variant nor has this variant been reported in individuals affected with cardiovascular disorders in the literature. This variant is rare in the general population and has been identified in 0/277264 chromosomes by the Genome Aggregation Database (gnomAD). Available evidence is insufficient to determine the pathogenicity of this variant conclusively.

NM_001035.3(RYR2):c.4G>T (p.Ala2Ser)

Gene: RYR2 (ryanodine receptor 2; plus strand). Cytogenetic location: 1q43.
Variant type: single nucleotide variant.
Coding change: c.4G>T on transcript NM_001035.3 (MANE Select); coding-DNA position 4, G replaced by T.
Protein change: p.Ala2Ser; replaces alanine 2 with serine.
Molecular consequence: missense variant.
Genome position (GRCh38, 1-based): chr1:237,042,525, G>T. VCF-style: chr1-237042525-G-T. GRCh37 (hg19) VCF-style: chr1-237205825-G-T.
Other names: short protein forms A2S.
Identifiers: ClinVar variation 919946 (VCV000919946.5), dbSNP rs1660032942, ClinGen allele CA345654143.